The following is an entry in ClinVar:

NM_001127464.1:c.5812A>G

Gene: ZNF469 (zinc finger protein 469; plus strand).
Variant type: single nucleotide variant.
Identifiers: ClinVar variation 4072501 (VCV004072501.1).

ClinVar aggregate classification (germline): Uncertain significance (1 of 4 stars; one submission).

Submission:

GeneDx
Classification: Uncertain significance. Last evaluated: 2025-02-04. Review status: criteria provided, single submitter. Criteria: GeneDx Variant Classification Process June 2021. Collection method: clinical testing. Allele origin: germline. Affected: yes.
Comment: Not observed at significant frequency in large population cohorts (gnomAD); In silico analysis indicates that this missense variant does not alter protein structure/function; Has not been previously published as pathogenic or benign to our knowledge